The following is an entry in ClinVar:

NM_013447.4(ADGRE2):c.478C>G (p.Leu160Val)

Gene: ADGRE2 (adhesion G protein-coupled receptor E2; minus strand). Cytogenetic location: 19p13.12.
Variant type: single nucleotide variant.
Coding change: c.478C>G on transcript NM_013447.4 (MANE Select); coding-DNA position 478, C replaced by G.
Protein change: p.Leu160Val; replaces leucine 160 with valine.
Molecular consequence: missense variant.
Genome position (GRCh38, 1-based): chr19:14,766,987, G>C on the plus strand (C>G on the coding strand, the complement: ADGRE2 is on the minus strand). VCF-style: chr19-14766987-G-C. GRCh37 (hg19) VCF-style: chr19-14877799-G-C.
Other names: NC_000019.9:g.14877799G>C; c.478C>G, p.Leu160Val (NM_001271052.1); short protein forms L160V.
Identifiers: ClinVar variation 156715 (VCV000156715.2), dbSNP rs12976472, ClinGen allele CA248420.
Genomic context (GRCh38, chr19:14,766,987, plus strand): 5'-CTCCATCCCCAGCTCCCGTCCAGCCTCACAGCGTCTTCCTGGGGCCTCTACCTGTGCAGA[G>C]CTTCGGGTCCTCAGGTTTGAGCTTGAAGCCAGGCAGGCACTGGCACGTGTAGCTGCCGAG-3'
Protein context (NP_038475.2, residues 150-170): GFKLKPEDPK[Leu160Val]CTDVNECTSG

ClinVar aggregate classification (germline): not provided (0 of 4 stars; one submission).

Allele frequency attached by ClinVar (database versions not stated): gnomAD 0.51180 and 0.50641; gnomAD exomes 0.13598 and 0.14187; ESP Exome Variant Server 0.31875; 1000 Genomes Project 30x 0.53357; ExAC 0.22187.
gnomAD v4.1: 164,808 of 886,388 alleles (19%); highest among the groups gnomAD compares: African/African-American, 47%; 62,992 homozygotes.

Submissions (8):

Dr. Peter K. Rogan Lab, Western University
No classification provided (evidence only). Condition: Malignant lymphoma, large B-cell, diffuse. Review status: no classification provided. Collection method: in vitro. Allele origin: not applicable. Functional consequence: retained intron. Not counted in ClinVar's aggregate classification.

Dr. Peter K. Rogan Lab, Western University
No classification provided (evidence only). Condition: Malignant lymphoma, large B-cell, diffuse. Review status: no classification provided. Collection method: in vitro. Allele origin: not applicable. Functional consequence: retained intron. Not counted in ClinVar's aggregate classification.

Dr. Peter K. Rogan Lab, Western University
No classification provided (evidence only). Condition: Cholangiocarcinoma. Review status: no classification provided. Collection method: in vitro. Allele origin: not applicable. Functional consequence: retained intron. Not counted in ClinVar's aggregate classification.

Dr. Peter K. Rogan Lab, Western University
No classification provided (evidence only). Condition: Cholangiocarcinoma. Review status: no classification provided. Collection method: in vitro. Allele origin: not applicable. Functional consequence: retained intron. Not counted in ClinVar's aggregate classification.

Dr. Peter K. Rogan Lab, Western University
No classification provided (evidence only). Condition: Cholangiocarcinoma. Review status: no classification provided. Collection method: in vitro. Allele origin: not applicable. Functional consequence: retained intron. Not counted in ClinVar's aggregate classification.

Dr. Peter K. Rogan Lab, Western University
No classification provided (evidence only). Condition: Uveal melanoma. Review status: no classification provided. Collection method: in vitro. Allele origin: not applicable. Functional consequence: retained intron. Not counted in ClinVar's aggregate classification.

Dr. Peter K. Rogan Lab, Western University
No classification provided (evidence only). Condition: Uveal melanoma. Review status: no classification provided. Collection method: in vitro. Allele origin: not applicable. Functional consequence: retained intron. Not counted in ClinVar's aggregate classification.

James Howe Lab, University of Iowa Hospital and Clinics
No classification provided. Review status: no classification provided. Collection method: not provided. Allele origin: unknown.
Comment: Analysis of CDKN1B mutations in 86 patients with small bowel neuroendocrine tumors and 68 patients with pancreas neuroendocrine tumors.